The following is an entry in ClinVar:

ClinVar aggregate classification (germline): Conflicting classifications of pathogenicity. Review status: criteria provided, conflicting classifications (1 of 4 stars). 5 submissions from 5 submitters: Uncertain significance (1); Likely benign (4). Last evaluated 2026-09-01.

Conditions:
RYR1-related disorder. Also called: RYR1-related condition; RYR1-related disorders. Identifiers: MedGen CN239331.
Inborn genetic diseases. Identifiers: MedGen C0950123, MeSH D030342.
Malignant hyperthermia, susceptibility to, 1 (MHS1). Also called: RYR1-Related Malignant Hyperthermia Susceptibility; Anesthesia related hyperthermia; Malignant hyperpyrexia; Fulminating hyperpyrexia; Pharmacogenic myopathy; Malignant hyperthermia suceptibility 1. Identifiers: Orphanet 423, MedGen C2930980, MONDO:0007783, OMIM 145600.

Allele frequency attached by ClinVar (database versions not stated): gnomAD exomes 0.00002 and 0.00007; ESP Exome Variant Server 0.00008; ExAC 0.00009; gnomAD 0.00013; TOPMed 0.00014; 1000 Genomes Project 0.00040; 1000 Genomes Project 30x 0.00062.
gnomAD v4.1: 54 of 1,613,594 alleles (0.0033%); highest among the groups gnomAD compares: African/African-American, 0.057%; no homozygotes.

Submissions (5):

CeGaT Center for Human Genetics Tuebingen
Classification: Likely benign. Last evaluated: 2026-09-01. Review status: criteria provided, single submitter. Criteria: CeGaT Center For Human Genetics Tuebingen Variant Classification Criteria Version 2. Collection method: clinical testing. Allele origin: germline. Affected: yes. Observed: 2 variant alleles.
Comment: RYR1: BP4, BP7

Labcorp Genetics (formerly Invitae), Labcorp
Classification: Uncertain significance for RYR1-related disorder. Last evaluated: 2025-12-15. Review status: criteria provided, single submitter. Criteria: Invitae Variant Classification Sherloc (09022015). Collection method: clinical testing. Allele origin: germline.
Comment: This sequence change affects codon 3839 of the RYR1 mRNA. It is a 'silent' change, meaning that it does not change the encoded amino acid sequence of the RYR1 protein. It affects a nucleotide within the consensus splice site. This variant is present in population databases (rs151239950, gnomAD 0.07%). This variant has not been reported in the literature in individuals affected with RYR1-related conditions. ClinVar contains an entry for this variant (Variation ID: 329109). Algorithms developed to predict the effect of sequence changes on RNA splicing suggest that this variant is not likely to affect RNA splicing. In summary, the available evidence is currently insufficient to determine the role of this variant in disease. Therefore, it has been classified as a Variant of Uncertain Significance.

Ambry Genetics
Classification: Likely benign for Inborn genetic diseases. Last evaluated: 2025-04-13. Review status: criteria provided, single submitter. Criteria: Ambry Variant Classification Scheme 2023. Collection method: clinical testing. Allele origin: germline.

Color Diagnostics, LLC DBA Color Health
Classification: Likely benign for Malignant hyperthermia, susceptibility to, 1. Last evaluated: 2022-11-06. Review status: criteria provided, single submitter. Criteria: ACMG Guidelines, 2015. Collection method: clinical testing. Allele origin: germline.

Blueprint Genetics
Classification: Likely benign. Last evaluated: 2020-10-01. Review status: criteria provided, single submitter. Criteria: ACMG Guidelines, 2015. Collection method: clinical testing. Allele origin: germline.

NM_000540.3(RYR1):c.11517C>T (p.Ser3839=)

Gene: RYR1 (ryanodine receptor 1; plus strand). Cytogenetic location: 19q13.2.
Variant type: single nucleotide variant.
Coding change: c.11517C>T on transcript NM_000540.3 (MANE Select); coding-DNA position 11517, C replaced by T.
Protein change: p.Ser3839=; no amino-acid change (serine 3839 retained).
Molecular consequence: synonymous variant.
Genome position (GRCh38, 1-based): chr19:38,535,997, C>T. VCF-style: chr19-38535997-C-T. GRCh37 (hg19) VCF-style: chr19-39026637-C-T.
Other names: c.11502C>T, p.Ser3834= (NM_001042723.2).
Identifiers: ClinVar variation 329109 (VCV000329109.20), dbSNP rs151239950, ClinGen allele CA057084.